The following is an entry in ClinVar:

NM_000465.4(BARD1):c.2172G>A (p.Ala724=)

Gene: BARD1 (BRCA1 associated RING domain 1; minus strand). Cytogenetic location: 2q35.
Variant type: single nucleotide variant.
Coding change: c.2172G>A on transcript NM_000465.4 (MANE Select); coding-DNA position 2172, G replaced by A.
Protein change: p.Ala724=; no amino-acid change (alanine 724 retained).
Molecular consequence: synonymous variant. On other transcripts: non-coding transcript variant (3).
Genome position (GRCh38, 1-based): chr2:214,728,838, C>T on the plus strand (G>A on the coding strand, the complement: BARD1 is on the minus strand). VCF-style: chr2-214728838-C-T. GRCh37 (hg19) VCF-style: chr2-215593562-C-T.
Other names: c.2115G>A, p.Ala705= (NM_001282543.2); c.819G>A, p.Ala273= (NM_001282545.2); c.762G>A, p.Ala254= (NM_001282548.2); c.633G>A, p.Ala211= (NM_001282549.2).
Identifiers: ClinVar variation 231424 (VCV000231424.20), dbSNP rs143331809, ClinGen allele CA2090068.

ClinVar aggregate classification (germline): Benign/Likely benign. Review status: criteria provided, multiple submitters, no conflicts (2 of 4 stars). 4 submissions from 4 submitters: Benign (1); Likely benign (3). Last evaluated 2025-07-28.

Conditions:
Hereditary cancer-predisposing syndrome. Also called: Neoplastic Syndromes, Hereditary; Tumor predisposition; Hereditary Cancer Syndrome; Hereditary neoplastic syndrome. Identifiers: Orphanet 140162, MedGen C0027672, MeSH D009386, MONDO:0015356.
Familial cancer of breast. Also called: BREAST CANCER, FAMILIAL; hereditary breast carcinoma; Hereditary breast cancer. Identifiers: Orphanet 227535, MedGen C0346153, MONDO:0016419, OMIM 114480. Disease mechanism: loss of function.

gnomAD v4.1: 6 of 1,614,198 alleles (0.00037%); highest among the groups gnomAD compares: South Asian, 0.0011%; no homozygotes.

Submissions (4):

Labcorp Genetics (formerly Invitae), Labcorp
Classification: Likely benign for Familial cancer of breast. Last evaluated: 2025-07-28. Review status: criteria provided, single submitter. Criteria: Invitae Variant Classification Sherloc (09022015). Collection method: clinical testing. Allele origin: germline.

Myriad Genetics, Inc.
Classification: Benign for Familial cancer of breast. Last evaluated: 2024-07-30. Review status: criteria provided, single submitter. Criteria: Myriad Autosomal Dominant, Autosomal Recessive and X-Linked Classification Criteria (2023). Collection method: clinical testing. Allele origin: unknown.
Comment: This variant is considered benign. This variant is a silent/synonymous amino acid change and it is not expected to impact splicing.

Color Diagnostics, LLC DBA Color Health
Classification: Likely benign for Hereditary cancer-predisposing syndrome. Last evaluated: 2016-04-25. Review status: criteria provided, single submitter. Criteria: ACMG Guidelines, 2015. Collection method: clinical testing. Allele origin: germline.

Ambry Genetics
Classification: Likely benign for Hereditary cancer-predisposing syndrome. Last evaluated: 2015-04-29. Review status: criteria provided, single submitter. Criteria: Ambry Variant Classification Scheme 2023. Collection method: clinical testing. Allele origin: germline.